The following is an entry in ClinVar:

NM_194248.3(OTOF):c.4228-1G>T

Gene: OTOF (otoferlin; minus strand). Cytogenetic location: 2p23.3.
Variant type: single nucleotide variant.
Coding change: c.4228-1G>T on transcript NM_194248.3 (MANE Select); the canonical splice acceptor site of the intron before coding-DNA position 4228, G replaced by T.
Molecular consequence: splice acceptor variant.
Genome position (GRCh38, 1-based): chr2:26,467,234, C>A on the plus strand (G>T on the coding strand, the complement: OTOF is on the minus strand). VCF-style: chr2-26467234-C-A. GRCh37 (hg19) VCF-style: chr2-26690102-C-A.
Other names: c.4228-1G>T (NM_001287489.2); c.1927-1G>T (NM_194323.3, NM_004802.4); c.2158-1G>T (NM_194322.3).
Identifiers: ClinVar variation 2691708 (VCV002691708.2), dbSNP rs111033342, ClinGen allele CA44413767.

ClinVar aggregate classification (germline): Conflicting classifications of pathogenicity. Review status: criteria provided, conflicting classifications (1 of 4 stars). 2 submissions from 2 submitters: Likely pathogenic (1); Uncertain significance (1). Last evaluated 2024-10-04.

Conditions:
Nonsyndromic genetic hearing loss. Also called: Nonsyndromic hearing loss and deafness; Non-syndromic genetic deafness; Nonsyndromic genetic deafness. Identifiers: Orphanet 87884, MedGen C5680182, MONDO:0019497.

gnomAD v4.1: 13 of 1,614,164 alleles (0.00081%); highest among the groups gnomAD compares: Non-Finnish European, 0.0011%; no homozygotes.

Submissions (2):

Blueprint Genetics
Classification: Uncertain significance. Last evaluated: 2024-10-04. Review status: criteria provided, single submitter. Criteria: ACMG Guidelines, 2015. Collection method: clinical testing. Allele origin: germline.

Women's Health and Genetics/Laboratory Corporation of America, LabCorp
Classification: Likely pathogenic for Nonsyndromic genetic hearing loss. Last evaluated: 2023-12-14. Review status: criteria provided, single submitter. Criteria: LabCorp Variant Classification Summary - May 2015. Collection method: clinical testing. Allele origin: germline.
Comment: Variant summary: OTOF c.4228-1G>T is located in a canonical splice-site and is predicted to affect mRNA splicing resulting in a significantly altered protein due to either exon skipping, shortening, or inclusion of intronic material. Several computational tools predict a significant impact on normal splicing: four predict the variant abolishes a 3' acceptor site. However, these predictions have yet to be confirmed by functional studies. The variant allele was found at a frequency of 8e-06 in 251458 control chromosomes (gnomAD). The available data on variant occurrences in the general population are insufficient to allow any conclusion about variant significance. To our knowledge, no occurrence of c.4228-1G>T in individuals affected with Nonsyndromic Hearing Loss And Deafness, Type 9 and no experimental evidence demonstrating its impact on protein function have been reported. No submitters have reported clinical-significance assessments for this variant to ClinVar after 2014. Based on the evidence outlined above, the variant was classified as likely pathogenic.